The following is an entry in ClinVar:

ClinVar aggregate classification (germline): Uncertain significance. Review status: criteria provided, multiple submitters, no conflicts (2 of 4 stars). 2 submissions from 2 submitters: Uncertain significance (2). Last evaluated 2025-03-10.

Conditions:
Hereditary cancer-predisposing syndrome. Also called: Tumor predisposition; Neoplastic Syndromes, Hereditary; Hereditary neoplastic syndrome; Hereditary Cancer Syndrome. Identifiers: Orphanet 140162, MedGen C0027672, MeSH D009386, MONDO:0015356.
Tumor predisposition syndrome 3 (TPDS3). Also called: Melanoma, cutaneous malignant, susceptibility to, 10; LONG TELOMERE SYNDROME, POT1-RELATED; POT1 Tumor Predisposition; Glioma susceptibility 9. Identifiers: Orphanet 618, MedGen C4014476, MONDO:0014368, OMIM 615848.

Submissions (2):

Labcorp Genetics (formerly Invitae), Labcorp
Classification: Uncertain significance for Tumor predisposition syndrome 3. Last evaluated: 2025-03-10. Review status: criteria provided, single submitter. Criteria: Invitae Variant Classification Sherloc (09022015). Collection method: clinical testing. Allele origin: germline.
Comment: This sequence change replaces aspartic acid, which is acidic and polar, with glycine, which is neutral and non-polar, at codon 206 of the POT1 protein (p.Asp206Gly). This variant is not present in population databases (gnomAD no frequency). This variant has not been reported in the literature in individuals affected with POT1-related conditions. ClinVar contains an entry for this variant (Variation ID: 580661). Invitae Evidence Modeling of protein sequence and biophysical properties (such as structural, functional, and spatial information, amino acid conservation, physicochemical variation, residue mobility, and thermodynamic stability) indicates that this missense variant is not expected to disrupt POT1 protein function with a negative predictive value of 80%. In summary, the available evidence is currently insufficient to determine the role of this variant in disease. Therefore, it has been classified as a Variant of Uncertain Significance.

Ambry Genetics
Classification: Uncertain significance for Hereditary cancer-predisposing syndrome. Last evaluated: 2024-10-02. Review status: criteria provided, single submitter. Criteria: Ambry Variant Classification Scheme 2023. Collection method: clinical testing. Allele origin: germline.
Comment: The p.D206G variant (also known as c.617A>G), located in coding exon 5 of the POT1 gene, results from an A to G substitution at nucleotide position 617. The aspartic acid at codon 206 is replaced by glycine, an amino acid with similar properties. This amino acid position is highly conserved in available vertebrate species. In addition, the in silico prediction for this alteration is inconclusive. Since supporting evidence is limited at this time, the clinical significance of this alteration remains unclear.

NM_015450.3(POT1):c.617A>G (p.Asp206Gly)

Gene: POT1 (protection of telomeres 1; minus strand). Cytogenetic location: 7q31.33.
Variant type: single nucleotide variant.
Coding change: c.617A>G on transcript NM_015450.3 (MANE Select); coding-DNA position 617, A replaced by G.
Protein change: p.Asp206Gly; replaces aspartic acid 206 with glycine.
Molecular consequence: missense variant. On other transcripts: non-coding transcript variant (3).
Genome position (GRCh38, 1-based): chr7:124,859,042, T>C on the plus strand (A>G on the coding strand, the complement: POT1 is on the minus strand). VCF-style: chr7-124859042-T-C. GRCh37 (hg19) VCF-style: chr7-124499096-T-C.
Other names: c.224A>G, p.Asp75Gly (NM_001042594.2); short protein forms D206G, D75G.
Identifiers: ClinVar variation 580661 (VCV000580661.14), dbSNP rs1562990934, ClinGen allele CA369056466.